The following is an entry in ClinVar:

NM_005419.4(STAT2):c.5C>T (p.Ala2Val)

Gene: STAT2 (signal transducer and activator of transcription 2; minus strand). Cytogenetic location: 12q13.3.
Variant type: single nucleotide variant.
Coding change: c.5C>T on transcript NM_005419.4 (MANE Select); coding-DNA position 5, C replaced by T.
Protein change: p.Ala2Val; replaces alanine 2 with valine.
Molecular consequence: missense variant.
Genome position (GRCh38, 1-based): chr12:56,356,567, G>A on the plus strand (C>T on the coding strand, the complement: STAT2 is on the minus strand). VCF-style: chr12-56356567-G-A. GRCh37 (hg19) VCF-style: chr12-56750351-G-A.
Other names: c.5C>T, p.Ala2Val (NM_001385110.1, NM_001385111.1, NM_001385113.1 and 3 more transcripts); short protein forms A2V.
Identifiers: ClinVar variation 2090226 (VCV002090226.2), dbSNP rs200501174, ClinGen allele CA6630972.

ClinVar aggregate classification (germline): Uncertain significance (1 of 4 stars; one submission).

Conditions:
Primary immunodeficiency with post-measles-mumps-rubella vaccine viral infection. Also called: Immunodeficiency 44. Identifiers: Orphanet 431166, MedGen C4225260, MONDO:0014715, OMIM 616636.

Allele frequency attached by ClinVar (database versions not stated): gnomAD exomes below 0.00001; ExAC 0.00001; gnomAD 0.00001; TOPMed 0.00003.
gnomAD v4.1: 8 of 1,613,986 alleles (0.0005%); highest among the groups gnomAD compares: African/African-American, 0.0053%; no homozygotes.

Submission:

Labcorp Genetics (formerly Invitae), Labcorp
Classification: Uncertain significance for Primary immunodeficiency with post-measles-mumps-rubella vaccine viral infection. Last evaluated: 2022-01-27. Review status: criteria provided, single submitter. Criteria: Invitae Variant Classification Sherloc (09022015). Collection method: clinical testing. Allele origin: germline.
Comment: In summary, the available evidence is currently insufficient to determine the role of this variant in disease. Therefore, it has been classified as a Variant of Uncertain Significance. Advanced modeling of protein sequence and biophysical properties (such as structural, functional, and spatial information, amino acid conservation, physicochemical variation, residue mobility, and thermodynamic stability) performed at Invitae indicates that this missense variant is expected to disrupt STAT2 protein function. This variant has not been reported in the literature in individuals affected with STAT2-related conditions. This variant is present in population databases (rs200501174, gnomAD 0.01%). This sequence change replaces alanine, which is neutral and non-polar, with valine, which is neutral and non-polar, at codon 2 of the STAT2 protein (p.Ala2Val).